The following is an entry in ClinVar:

ClinVar aggregate classification (germline): Uncertain significance (1 of 4 stars; one submission).

Submission:

Labcorp Genetics (formerly Invitae), Labcorp
Classification: Uncertain significance. Last evaluated: 2025-07-20. Review status: criteria provided, single submitter. Criteria: Invitae Variant Classification Sherloc (09022015). Collection method: clinical testing. Allele origin: germline.
Comment: This sequence change replaces leucine, which is neutral and non-polar, with phenylalanine, which is neutral and non-polar, at codon 623 of the ZCCHC8 protein (p.Leu623Phe). This variant is not present in population databases (gnomAD no frequency). This variant has not been reported in the literature in individuals affected with ZCCHC8-related conditions. ClinVar contains an entry for this variant (Variation ID: 3006709). Invitae Evidence Modeling of protein sequence and biophysical properties (such as structural, functional, and spatial information, amino acid conservation, physicochemical variation, residue mobility, and thermodynamic stability) indicates that this missense variant is not expected to disrupt ZCCHC8 protein function with a negative predictive value of 80%. In summary, the available evidence is currently insufficient to determine the role of this variant in disease. Therefore, it has been classified as a Variant of Uncertain Significance.

NM_017612.5(ZCCHC8):c.1867C>T (p.Leu623Phe)

Gene: ZCCHC8 (zinc finger CCHC-type containing 8; minus strand). Cytogenetic location: 12q24.31.
Variant type: single nucleotide variant.
Coding change: c.1867C>T on transcript NM_017612.5 (MANE Select); coding-DNA position 1867, C replaced by T.
Protein change: p.Leu623Phe; replaces leucine 623 with phenylalanine.
Molecular consequence: missense variant.
Genome position (GRCh38, 1-based): chr12:122,473,754, G>A on the plus strand (C>T on the coding strand, the complement: ZCCHC8 is on the minus strand). VCF-style: chr12-122473754-G-A. GRCh37 (hg19) VCF-style: chr12-122958301-G-A.
Other names: c.1636C>T, p.Leu546Phe (NM_001350935.2); c.1570C>T, p.Leu524Phe (NM_001350936.2); c.1153C>T, p.Leu385Phe (NM_001350937.2, NM_001350938.2); short protein forms L623F, L385F, L546F, L524F.
Identifiers: ClinVar variation 3006709 (VCV003006709.3), dbSNP rs2547193966, ClinGen allele CA387047519.